The following is an entry in ClinVar:

NM_015378.4(VPS13D):c.12794+1G>T

Gene: VPS13D (vacuolar protein sorting 13 homolog D; plus strand). Cytogenetic location: 1p36.22.
Variant type: single nucleotide variant.
Coding change: c.12794+1G>T on transcript NM_015378.4 (MANE Select); the canonical splice donor site of the intron after coding-DNA position 12794, G replaced by T.
Molecular consequence: splice donor variant.
Genome position (GRCh38, 1-based): chr1:12,497,632, G>T. VCF-style: chr1-12497632-G-T. GRCh37 (hg19) VCF-style: chr1-12557686-G-T.
Other names: c.12719+1G>T (NM_018156.4).
Identifiers: ClinVar variation 4536616 (VCV004536616.1).
Genomic context (GRCh38, chr1:12,497,632, plus strand): 5'-GAGCCAGGCGGAAGGACAGGAGCAGCTCTTCAAACTCACAGACAACATACAGGACGAATT[G>T]TAAGTTAGAGCATGGGAAACCAGCCCTGTGGGTCTACTGAGTTGCCTCTTCTTTTGATCC-3'

ClinVar aggregate classification (germline): Likely pathogenic (1 of 4 stars; one submission).

Conditions:
Autosomal recessive cerebellar ataxia-saccadic intrusion syndrome. Also called: SPINOCEREBELLAR ATAXIA 24; VPS13D Movement Disorder. Identifiers: Orphanet 95434, MedGen C1846492, MONDO:0011811, OMIM 607317.

gnomAD v4.1: 3 of 1,611,550 alleles (0.00019%); highest among the groups gnomAD compares: South Asian, 0.0011%; no homozygotes.

Submission:

Institute of Human Genetics, Cologne University
Classification: Likely pathogenic for Autosomal recessive cerebellar ataxia-saccadic intrusion syndrome. Last evaluated: 2025-11-27. Review status: criteria provided, single submitter. Criteria: ACMG Guidelines, 2015. Collection method: clinical testing. Allele origin: unknown. Affected: yes.
Comment: 2 affected siblings